The following is an entry in ClinVar:

NM_001330260.2(SCN8A):c.4447G>A (p.Glu1483Lys)

Gene: SCN8A (sodium voltage-gated channel alpha subunit 8; plus strand). Cytogenetic location: 12q13.13.
Variant type: single nucleotide variant.
Coding change: c.4447G>A on transcript NM_001330260.2 (MANE Select); coding-DNA position 4447, G replaced by A.
Protein change: p.Glu1483Lys; replaces glutamic acid 1483 with lysine.
Molecular consequence: missense variant.
Genome position (GRCh38, 1-based): chr12:51,790,425, G>A. VCF-style: chr12-51790425-G-A. GRCh37 (hg19) VCF-style: chr12-52184209-G-A.
Other names: c.4447G>A, p.Glu1483Lys (NM_014191.4); c.4324G>A, p.Glu1442Lys (NM_001177984.3, NM_001369788.1); short protein forms E1483K, E1442K.
Identifiers: ClinVar variation 253195 (VCV000253195.22), dbSNP rs879255652, ClinGen allele CA10586233.
Genomic context (GRCh38, chr12:51,790,425, plus strand): 5'-TGTAATTGTCTGTTTTCTTCTTCCCTCCTTTACTTCGGAGGTCAGGACATCTTCATGACC[G>A]AAGAACAGAAGAAGTACTACAATGCCATGAAAAAGCTGGGCTCAAAGAAGCCACAGAAAC-3'
Protein context (NP_001317189.1, residues 1473-1493): KFGGQDIFMT[Glu1483Lys]EQKKYYNAMK

ClinVar aggregate classification (germline): Pathogenic. Review status: criteria provided, multiple submitters, no conflicts (2 of 4 stars). 12 submissions from 11 submitters: Pathogenic (10). 2 of the submissions do not count toward it. Last evaluated 2025-10-27.

Conditions:
SCN8A-related disorder.
Autosomal dominant SCN8A-related disorders.
Early-infantile DEE. Also called: Early infantile epileptic encephalopathy; Ohtahara syndrome; Early infantile epileptic encephalopathy with suppression bursts. Identifiers: Orphanet 1934, MedGen C0393706, MONDO:0800491.
Seizures, benign familial infantile, 5 (BFIS5). Also called: CONVULSIONS, BENIGN FAMILIAL INFANTILE, 5. Identifiers: Orphanet 306, MedGen C4310728, MONDO:0014903, OMIM 617080.
Developmental and epileptic encephalopathy, 13 (DEE13). Also called: Developmental and Epileptic Encephalopathy (SCN8A-DEE); SCN8A-Related Epilepsy; Early infantile epileptic encephalopathy 13. Identifiers: Orphanet 442835, MedGen C3281191, MONDO:0013801, OMIM 614558.
Seizure. Also called: Seizures. Identifiers: MedGen C0036572, HP:0001250.
Epilepsy. Also called: Seizure disorder. Identifiers: MedGen C0014544, MeSH D004827, MONDO:0005027.

Submissions (13):

Variantyx, Inc.
Classification: Pathogenic for Autosomal dominant SCN8A-related disorders. Last evaluated: 2025-10-27. Review status: criteria provided, single submitter. Criteria: Variantyx Assertion Criteria 2022. Collection method: clinical testing. Allele origin: de novo. Inheritance: Autosomal dominant inheritance. Affected: yes.
Comment: This is a nonsynonymous variant in the SCN8A gene (OMIM: 600702). Pathogenic variants in this gene have been associated with autosomal dominant SCN8A-related disorders. This variant has been reported in several unrelated affected individuals (PMID: 26677014, 38845412) (PS4) and it has been observed to segregate with disease in at least 15 individuals from 4 families (PMID: 26677014, 38845412) (PP1). This variant lies within a known hotspot for pathogenic variants or a well-established critical functional domain of the SCN8A protein (PM1) and multiple computational algorithms predict a deleterious effect for this variant (REVEL score: 0.895) (PP3). This variant is absent from control populations (PM2). This variant likely occurred de novo in one individual reported in the published literature; however, the possibility of parental germline mosaicism cannot be excluded (PMID: 38233770). Based on the evidene, this variant is classified as pathogenic for autosomal dominant SCN8A-related disorders.

Labcorp Genetics (formerly Invitae), Labcorp
Classification: Pathogenic for Early-infantile DEE. Last evaluated: 2025-01-20. Review status: criteria provided, single submitter. Criteria: Invitae Variant Classification Sherloc (09022015). Collection method: clinical testing. Allele origin: germline.
Comment: This sequence change replaces glutamic acid, which is acidic and polar, with lysine, which is basic and polar, at codon 1483 of the SCN8A protein (p.Glu1483Lys). This variant is not present in population databases (gnomAD no frequency). This missense change has been observed in individuals with clinical features of SCN8A-related conditions (PMID: 26677014, 30185235). It has also been observed to segregate with disease in related individuals. This variant is also known as p.E1442K. ClinVar contains an entry for this variant (Variation ID: 253195). Invitae Evidence Modeling of protein sequence and biophysical properties (such as structural, functional, and spatial information, amino acid conservation, physicochemical variation, residue mobility, and thermodynamic stability) indicates that this missense variant is expected to disrupt SCN8A protein function with a positive predictive value of 95%. Experimental studies are conflicting or provide insufficient evidence to determine the effect of this variant on SCN8A function (PMID: 30615093). For these reasons, this variant has been classified as Pathogenic.

Women's Health and Genetics/Laboratory Corporation of America, LabCorp
Classification: Pathogenic for Developmental and epileptic encephalopathy, 13. Last evaluated: 2024-12-10. Review status: criteria provided, single submitter. Criteria: LabCorp Variant Classification Summary - May 2015. Collection method: clinical testing. Allele origin: germline.
Comment: Variant summary: SCN8A c.4447G>A (p.Glu1483Lys) results in a conservative amino acid change in the encoded protein sequence. Three of five in-silico tools predict a damaging effect of the variant on protein function. The variant was absent in 243750 control chromosomes (gnomAD). c.4447G>A has been reported in the literature in multiple individuals affected with benign infantile seizures and/or paroxysmal dyskinesia (e.g. Gardella_2016). These data indicate that the variant is very likely to be associated with disease. The following publication has been ascertained in the context of this evaluation (PMID: 26677014). ClinVar contains an entry for this variant (Variation ID: 253195). Based on the evidence outlined above, the variant was classified as pathogenic.

Blueprint Genetics
Classification: Pathogenic for SCN8A-related disorders. Last evaluated: 2024-10-11. Review status: criteria provided, single submitter. Criteria: ACMG Guidelines, 2015. Collection method: clinical testing. Allele origin: germline. Affected: yes. Observed: 2 variant alleles.

Cytogénomique, Hospices Civils de Lyon
Classification: Pathogenic for Seizure. Last evaluated: 2024-08-12. Review status: criteria provided, single submitter. Criteria: ACMG Guidelines, 2015. Collection method: clinical testing. Allele origin: paternal. Affected: yes.

University of British Columbia, BC Children's Hospital
Classification: Pathogenic for Seizures, benign familial infantile, 5. Last evaluated: 2023-08-30. Review status: criteria provided, single submitter. Criteria: ACMG Guidelines, 2015. Collection method: research. Allele origin: germline. Affected: yes.

Institute of Human Genetics, University of Leipzig Medical Center
Classification: Pathogenic for Seizures, benign familial infantile, 5. Last evaluated: 2022-03-18. Review status: criteria provided, single submitter. Criteria: ACMG Guidelines, 2015. Collection method: clinical testing. Allele origin: de novo. Inheritance: Autosomal dominant inheritance. Affected: yes.

GeneDx
Classification: Pathogenic. Last evaluated: 2022-03-10. Review status: criteria provided, single submitter. Criteria: GeneDx Variant Classification Process June 2021. Collection method: clinical testing. Allele origin: germline. Affected: yes.
Comment: Published functional studies demonstrate a damaging effect indicating that the E1483K variant alters sodium channel properties (Liu et al., 2019); In silico analysis supports that this missense variant has a deleterious effect on protein structure/function; Not observed in large population cohorts (gnomAD); Missense variants in this gene are often considered pathogenic (HGMD); This variant is associated with the following publications: (PMID: 32090326, 30615093, 27210545, 27270488, 26677014, 30185235, 29263050, 31904124, 26029160)

Institute of Human Genetics, University of Leipzig Medical Center
Classification: Pathogenic for Epilepsy. Last evaluated: 2021-02-25. Review status: criteria provided, single submitter. Criteria: ACMG Guidelines, 2015. Collection method: clinical testing. Allele origin: maternal. Inheritance: Autosomal dominant inheritance. Affected: yes.
Comment: The variant was reviewed according to current ACMG recommendations and classified as Pathogenic (criteria: PP1_Strong, PS3_Moderate, PS4_Moderate, PM2_Supporting, PP3_Supporting).

Juno Genomics, Hangzhou Juno Genomics, Inc
Classification: Pathogenic for Seizures, benign familial infantile, 5. Review status: criteria provided, single submitter. Criteria: ACMG Guidelines, 2015. Collection method: clinical testing. Allele origin: germline. Affected: yes.
Comment: Absent from controls (or at extremely low frequency if recessive) in Genome Aggregation Database, Exome Sequencing Project, 1000 Genomes Project, or Exome Aggregation Consortium.;Well-established in vitro or in vivo functional studies supportive of a damaging effect on the gene or gene product.;Missense variant in a gene that has a low rate of benign missense variation and where missense variants are a common mechanism of disease.;The prevalence of the variant in affected individuals is significantly increased compared to the prevalence in controls.;Co-segregation with disease in multiple affected family members in a gene definitively known to cause the disease.;Patient's phenotype or family history is highly specific for a disease with a single genetic etiology.

OMIM
Classification: Pathogenic for SEIZURES, BENIGN FAMILIAL INFANTILE, 5. Last evaluated: 2016-08-22. Review status: no assertion criteria provided. Collection method: literature only. Allele origin: germline. Not counted in ClinVar's aggregate classification.

Channelopathy-Associated Epilepsy Research Center
No classification provided (evidence only). Condition: Complex neurodevelopmental disorder. Review status: no classification provided. Collection method: literature only. Allele origin: not applicable. Functional consequence: Normal peak current, Normal voltage dependence of activation, Normal slope of activation, Normal fast inactivation, Normal rate of recovery from fast inactivation, Normal slope of fast inactivation, Normal voltage dependence of fast inactivation, Normal ramp current, Normal entry into slow inactivation, Normal slope of slow inactivation, Normal voltage dependence of slow inactivation, Overall normal function with respect of biophysical channel activity. Not counted in ClinVar's aggregate classification.
ClinVar note: "not provided" was previously submitted as the classification for the variant. However, the classification appeared to be based only on an observation of functional data so it was converted to no classification on 2025-07-30.

GeneReviews
No classification provided. Condition: Developmental and epileptic encephalopathy, 13. Review status: no classification provided. Collection method: literature only. Allele origin: germline. Not counted in ClinVar's aggregate classification.

Literature cited by the submitters: PubMed 26677014 (cited by 6 submitters); PubMed 38845412 (cited by Variantyx, Inc.); PubMed 38233770 (cited by Variantyx, Inc.); PubMed 30185235 (cited by Labcorp Genetics (formerly Invitae), Labcorp); PubMed 30615093 (cited by Labcorp Genetics (formerly Invitae), Labcorp and Channelopathy-Associated Epilepsy Research Center); NCBI Bookshelf NBK379665 (cited by GeneReviews).